The following is an entry in ClinVar:

NM_000465.4(BARD1):c.1811-9G>C

Gene: BARD1 (BRCA1 associated RING domain 1; minus strand). Cytogenetic location: 2q35.
Variant type: single nucleotide variant.
Coding change: c.1811-9G>C on transcript NM_000465.4 (MANE Select); 9 bases into the intron before coding-DNA position 1811, G replaced by C.
Molecular consequence: intron variant.
Genome position (GRCh38, 1-based): chr2:214,745,168, C>G on the plus strand (G>C on the coding strand, the complement: BARD1 is on the minus strand). VCF-style: chr2-214745168-C-G. GRCh37 (hg19) VCF-style: chr2-215609892-C-G.
Other names: c.401-9G>C (NM_001282548.2); c.1754-9G>C (NM_001282543.2); c.458-9G>C (NM_001282545.2); c.365-14660G>C (NM_001282549.2).
Identifiers: ClinVar variation 3379134 (VCV003379134.1).

ClinVar aggregate classification (germline): Likely benign (1 of 4 stars; one submission).

Conditions:
Familial cancer of breast. Also called: hereditary breast carcinoma; Hereditary breast cancer; BREAST CANCER, FAMILIAL. Identifiers: Orphanet 227535, MedGen C0346153, MONDO:0016419, OMIM 114480. Disease mechanism: loss of function.

gnomAD v4.1: 1 of 1,609,026 alleles (0.000062%); highest among the groups gnomAD compares: Non-Finnish European, 0.000085%; no homozygotes.

Submission:

Myriad Genetics, Inc.
Classification: Likely benign for Familial cancer of breast. Last evaluated: 2024-07-26. Review status: criteria provided, single submitter. Criteria: Myriad Autosomal Dominant, Autosomal Recessive and X-Linked Classification Criteria (2023). Collection method: clinical testing. Allele origin: unknown.
Comment: This variant is considered likely benign. This variant is intronic and is not expected to impact mRNA splicing.